The following is an entry in ClinVar:

NM_006904.7(PRKDC):c.905C>T (p.Ala302Val)

Gene: PRKDC (protein kinase, DNA-activated, catalytic subunit; minus strand). Cytogenetic location: 8q11.21.
Variant type: single nucleotide variant.
Coding change: c.905C>T on transcript NM_006904.7 (MANE Select); coding-DNA position 905, C replaced by T.
Protein change: p.Ala302Val; replaces alanine 302 with valine.
Molecular consequence: missense variant.
Genome position (GRCh38, 1-based): chr8:47,943,270, G>A on the plus strand (C>T on the coding strand, the complement: PRKDC is on the minus strand). VCF-style: chr8-47943270-G-A. GRCh37 (hg19) VCF-style: chr8-48855830-G-A.
Other names: c.905C>T, p.Ala302Val (NM_001081640.2); short protein forms A302V.
Identifiers: ClinVar variation 1765622 (VCV001765622.2), dbSNP rs2090475593, ClinGen allele CA371136113.

ClinVar aggregate classification (germline): Uncertain significance (1 of 4 stars; one submission).

Submission:

Ambry Genetics
Classification: Uncertain significance. Last evaluated: 2022-04-25. Review status: criteria provided, single submitter. Criteria: Ambry Variant Classification Scheme 2023. Collection method: clinical testing. Allele origin: germline.
Comment: The p.A302V variant (also known as c.905C>T), located in coding exon 10 of the PRKDC gene, results from a C to T substitution at nucleotide position 905. The alanine at codon 302 is replaced by valine, an amino acid with similar properties. This amino acid position is conserved. In addition, this alteration is predicted to be tolerated by in silico analysis. Since supporting evidence is limited at this time, the clinical significance of this alteration remains unclear.